The following is an entry in ClinVar:

NM_001127671.2(LIFR):c.1621dup (p.Thr541fs)

Gene: LIFR (LIF receptor subunit alpha; minus strand). Cytogenetic location: 5p13.1.
Variant type: Duplication.
Coding change: c.1621dup on transcript NM_001127671.2 (MANE Select); coding-DNA position 1621, one base duplicated (A; older notation c.1621dupA).
Protein change: p.Thr541fs; shifts the reading frame from threonine 541.
Molecular consequence: frameshift variant.
Genome position (GRCh38, 1-based): chr5:38,499,563, T duplicated on the plus strand (A on the coding strand, the reverse complement: LIFR is on the minus strand). VCF-style (leftmost placement, unchanged base first): chr5-38499562-G-GT. GRCh37 (hg19) VCF-style: chr5-38499664-G-GT.
Other names: c.1621dup, p.Thr541fs (NM_001364297.2, NM_001364298.2, NM_002310.6); short protein forms T541fs.
Identifiers: ClinVar variation 2734722 (VCV002734722.4), dbSNP rs2531013834, ClinGen allele CA1139532331.

ClinVar aggregate classification (germline): Pathogenic. Review status: criteria provided, multiple submitters, no conflicts (2 of 4 stars). 2 submissions from 2 submitters: Pathogenic (2). Last evaluated 2024-03-04.

Conditions:
Stüve-Wiedemann syndrome 1. Also called: STUVE-WIEDEMANN/SCHWARTZ-JAMPEL TYPE 2 SYNDROME. Identifiers: Orphanet 3206, MedGen C5676888, MONDO:0800043, OMIM 601559.

Allele frequency attached by ClinVar (database versions not stated): gnomAD exomes below 0.00001.

Submissions (2):

Fulgent Genetics
Classification: Pathogenic for Stüve-Wiedemann syndrome 1. Last evaluated: 2024-03-04. Review status: criteria provided, single submitter. Criteria: ACMG Guidelines, 2015. Collection method: clinical testing. Allele origin: germline.

Labcorp Genetics (formerly Invitae), Labcorp
Classification: Pathogenic. Last evaluated: 2023-10-05. Review status: criteria provided, single submitter. Criteria: Invitae Variant Classification Sherloc (09022015). Collection method: clinical testing. Allele origin: germline.
Comment: This sequence change creates a premature translational stop signal (p.Thr541Asnfs*8) in the LIFR gene. It is expected to result in an absent or disrupted protein product. Loss-of-function variants in LIFR are known to be pathogenic (PMID: 14740318). This variant is not present in population databases (gnomAD no frequency). This premature translational stop signal has been observed in individuals with Stuve-Wiedemann syndrome (PMID: 14740318, 24175015). This variant is also known as 1620_1621insA. For these reasons, this variant has been classified as Pathogenic.

Literature cited by the submitters: PubMed 14740318 (cited by Labcorp Genetics (formerly Invitae), Labcorp); PubMed 24175015 (cited by Labcorp Genetics (formerly Invitae), Labcorp).